The following is an entry in ClinVar:

ClinVar aggregate classification (germline): Conflicting classifications of pathogenicity. Review status: criteria provided, conflicting classifications (1 of 4 stars). 3 submissions from 3 submitters: Uncertain significance (1); Likely benign (2). Last evaluated 2025-12-15.

Conditions:
Menke-Hennekam syndrome 1 (MKHK1). Identifiers: MedGen C5193034, MONDO:0020763, OMIM 618332.
Rubinstein-Taybi syndrome due to CREBBP mutations (RSTS1). Also called: RUBINSTEIN-TAYBI SYNDROME 1, INCOMPLETE; BROAD THUMB-HALLUX SYNDROME; RUBINSTEIN SYNDROME; BROAD THUMBS AND GREAT TOES, CHARACTERISTIC FACIES, AND IMPAIRED INTELLECTUAL DEVELOPMENT; Rubinstein-Taybi syndrome 1; CREBBP-Related Rubinstein-Taybi Syndrome. Identifiers: Orphanet 353277, Orphanet 783, MedGen C4551859, MONDO:0008393, OMIM 180849.
CREBBP-related disorder. Also called: CREBBP-related disorders; CREBBP-related condition.
Rubinstein-Taybi syndrome (RSTS). Identifiers: Orphanet 783, MedGen C0035934, MONDO:0019188.

Submissions (3):

Labcorp Genetics (formerly Invitae), Labcorp
Classification: Likely benign for Rubinstein-Taybi syndrome. Last evaluated: 2025-12-15. Review status: criteria provided, single submitter. Criteria: Invitae Variant Classification Sherloc (09022015). Collection method: clinical testing. Allele origin: germline.

PreventionGenetics, part of Exact Sciences
Classification: Likely benign for CREBBP-related condition. Last evaluated: 2024-11-18. Review status: criteria provided, single submitter. Criteria: ACMG Guidelines, 2015. Collection method: clinical testing. Allele origin: germline.
Comment: This variant is classified as likely benign based on ACMG/AMP sequence variant interpretation guidelines (Richards et al. 2015 PMID: 25741868, with internal and published modifications).

Fulgent Genetics
Classification: Uncertain significance for Rubinstein-Taybi syndrome due to CREBBP mutations; Menke-Hennekam syndrome 1. Last evaluated: 2024-05-28. Review status: criteria provided, single submitter. Criteria: ACMG Guidelines, 2015. Collection method: clinical testing. Allele origin: germline.

NM_004380.3(CREBBP):c.5997C>T (p.Ser1999=)

Gene: CREBBP (CREB binding lysine acetyltransferase; minus strand). Cytogenetic location: 16p13.3.
Variant type: single nucleotide variant.
Coding change: c.5997C>T on transcript NM_004380.3 (MANE Select); coding-DNA position 5997, C replaced by T.
Protein change: p.Ser1999=; no amino-acid change (serine 1999 retained).
Molecular consequence: synonymous variant.
Genome position (GRCh38, 1-based): chr16:3,729,050, G>A on the plus strand (C>T on the coding strand, the complement: CREBBP is on the minus strand). VCF-style: chr16-3729050-G-A. GRCh37 (hg19) VCF-style: chr16-3779051-G-A.
Other names: c.5883C>T, p.Ser1961= (NM_001079846.1); c.5997C>T (NM_004380.2).
Identifiers: ClinVar variation 3580593 (VCV003580593.4).